The following is an entry in ClinVar:

ClinVar aggregate classification (germline): Conflicting classifications of pathogenicity. Review status: criteria provided, conflicting classifications (1 of 4 stars). 3 submissions from 3 submitters: Likely pathogenic (2); Uncertain significance (1). Last evaluated 2024-03-05.

Conditions:
Dyskeratosis congenita, autosomal recessive 5 (DKCB5). Identifiers: MedGen C3554656, MONDO:0014076, OMIM 615190.
Pulmonary fibrosis and/or bone marrow failure, Telomere-related, 3. Also called: PULMONARY FIBROSIS AND/OR BONE MARROW FAILURE SYNDROME, TELOMERE-RELATED, 3. Identifiers: Orphanet 2032, MedGen C4225346, MONDO:0014613, OMIM 616373.

Allele frequency attached by ClinVar (database versions not stated): TOPMed below 0.00001; gnomAD 0.00001.
gnomAD v4.1: 1 of 1,611,420 alleles (0.000062%); highest among the groups gnomAD compares: Non-Finnish European, 0.000085%; no homozygotes.

Submissions (3):

Labcorp Genetics (formerly Invitae), Labcorp
Classification: Likely pathogenic for Dyskeratosis congenita, autosomal recessive 5; Pulmonary fibrosis and/or bone marrow failure, Telomere-related, 3. Last evaluated: 2024-03-05. Review status: criteria provided, single submitter. Criteria: Invitae Variant Classification Sherloc (09022015). Collection method: clinical testing. Allele origin: germline.
Comment: This sequence change affects a donor splice site in intron 30 of the RTEL1 gene. It is expected to disrupt RNA splicing. Variants that disrupt the donor or acceptor splice site typically lead to a loss of protein function (PMID: 16199547), and loss-of-function variants in RTEL1 are known to be pathogenic (PMID: 23453664, 23959892, 25607374). This variant is present in population databases (no rsID available, gnomAD 0.0009%). This variant has not been reported in the literature in individuals affected with RTEL1-related conditions. Algorithms developed to predict the effect of sequence changes on RNA splicing suggest that this variant may disrupt the consensus splice site. In summary, the currently available evidence indicates that the variant is pathogenic, but additional data are needed to prove that conclusively. Therefore, this variant has been classified as Likely Pathogenic.

Blueprint Genetics
Classification: Uncertain significance. Last evaluated: 2022-11-24. Review status: criteria provided, single submitter. Criteria: ACMG Guidelines, 2015. Collection method: clinical testing. Allele origin: germline.

Baylor Genetics
Classification: Likely pathogenic for Dyskeratosis congenita, autosomal recessive 5. Last evaluated: 2022-11-23. Review status: criteria provided, single submitter. Criteria: ACMG Guidelines, 2015. Collection method: clinical testing. Allele origin: unknown.

Literature cited by the submitters: PubMed 16199547 (cited by Labcorp Genetics (formerly Invitae), Labcorp); PubMed 23453664 (cited by Labcorp Genetics (formerly Invitae), Labcorp); PubMed 23959892 (cited by Labcorp Genetics (formerly Invitae), Labcorp); PubMed 25607374 (cited by Labcorp Genetics (formerly Invitae), Labcorp).

NM_001283009.2(RTEL1):c.2992+1G>C

Genes: RTEL1 (regulator of telomere elongation helicase 1; plus strand), RTEL1-TNFRSF6B (RTEL1-TNFRSF6B readthrough (NMD candidate); plus strand). Cytogenetic location: 20q13.33.
Variant type: single nucleotide variant.
Coding change: c.2992+1G>C on transcript NM_001283009.2 (MANE Select); the canonical splice donor site of the intron after coding-DNA position 2992, G replaced by C.
Molecular consequence: splice donor variant.
Genome position (GRCh38, 1-based): chr20:63,693,284, G>C. VCF-style: chr20-63693284-G-C. GRCh37 (hg19) VCF-style: chr20-62324637-G-C.
Other names: c.2323+1G>C (NM_001283010.1); c.3064+1G>C (NM_032957.5); c.2992+1G>C (NM_016434.4).
Identifiers: ClinVar variation 2678485 (VCV002678485.4), dbSNP rs1370553261, ClinGen allele CA409683433.